The following is an entry in ClinVar:

NM_024426.6(WT1):c.1037G>A (p.Ser346Asn)

Gene: WT1 (WT1 transcription factor; minus strand). Cytogenetic location: 11p13.
Variant type: single nucleotide variant.
Coding change: c.1037G>A on transcript NM_024426.6 (MANE Select); coding-DNA position 1037, G replaced by A.
Protein change: p.Ser346Asn; replaces serine 346 with asparagine.
Molecular consequence: missense variant. On other transcripts: non-coding transcript variant (2), 5 prime UTR variant (1).
Genome position (GRCh38, 1-based): chr11:32,400,024, C>T on the plus strand (G>A on the coding strand, the complement: WT1 is on the minus strand). VCF-style: chr11-32400024-C-T. GRCh37 (hg19) VCF-style: chr11-32421570-C-T.
Other names: c.986G>A, p.Ser329Asn (NM_000378.6, NM_001407045.1, NM_001407048.1 and 1 more transcripts); c.386G>A, p.Ser129Asn (NM_001198551.2); c.818G>A, p.Ser273Asn (NM_001429031.1, NM_001429032.1); c.767G>A, p.Ser256Asn (NM_001429033.1, NM_001429034.1); c.1037G>A, p.Ser346Asn (NM_024424.5, NM_001407046.1); c.335G>A, p.Ser112Asn (NM_001198552.2); c.-152G>A (NM_001367854.1); c.1031G>A, p.Ser344Asn (NM_001407044.1); and 3 more; short protein forms S112N, S129N, S256N, S273N, S288N, S305N, S329N, S341N.
Identifiers: ClinVar variation 4758904 (VCV004758904.1).

ClinVar aggregate classification (germline): Uncertain significance (1 of 4 stars; one submission).

Conditions:
Wilms tumor 1 (WT1). Also called: Wilms tumor, somatic. Identifiers: Orphanet 654, MedGen CN033288, MONDO:0008679, OMIM 194070.

Submission:

Color Diagnostics, LLC DBA Color Health
Classification: Uncertain significance for Wilms tumor 1. Last evaluated: 2025-07-11. Review status: criteria provided, single submitter. Criteria: ACMG Guidelines, 2015. Collection method: clinical testing. Allele origin: germline.
Comment: This missense variant replaces serine with asparagine at codon 341 of the WT1 protein. Computational prediction suggests that this variant may not impact protein structure and function. To our knowledge, functional studies have not been reported for this variant. This variant has not been reported in individuals affected with WT1-related disorders in the literature. This variant has not been identified in the general population by the Genome Aggregation Database (gnomAD). The available evidence is insufficient to determine the role of this variant in disease conclusively. Therefore, this variant is classified as a Variant of Uncertain Significance.